The following is an entry in ClinVar:

NM_000444.6(PHEX):c.1768+5G>T

Genes: PHEX (phosphate regulating endopeptidase homolog X-linked; plus strand), PTCHD1-AS (PTCHD1 antisense RNA (head to head); minus strand). Cytogenetic location: Xp22.11.
Variant type: single nucleotide variant.
Coding change: c.1768+5G>T on transcript NM_000444.6 (MANE Select); 5 bases into the intron after coding-DNA position 1768, G replaced by T.
Molecular consequence: intron variant.
Genome position (GRCh38, 1-based): chrX:22,219,108, G>T. VCF-style: chrX-22219108-G-T. GRCh37 (hg19) VCF-style: chrX-22237225-G-T.
Other names: c.1768+5G>T (NM_001282754.2).
Identifiers: ClinVar variation 392729 (VCV000392729.2), dbSNP rs1057524608, ClinGen allele CA16609167.

ClinVar aggregate classification (germline): Likely pathogenic (1 of 4 stars; one submission).

Submission:

GeneDx
Classification: Likely pathogenic. Last evaluated: 2017-01-05. Review status: criteria provided, single submitter. Criteria: GeneDx Variant Classification (06012015). Collection method: clinical testing. Allele origin: germline. Affected: yes.
Comment: The c.1768+5 G>T variant has not been published as a pathogenic variant, nor has it been reported as a benign variant to our knowledge; however, another nucleotide change at this same position (c.1768+5G>A) has been reported in association with X-linked hypophosphatemic rickets (Song et al. 2007). The c.1768+5 G>T variant was not observed in approximately 6,500 individuals of European and African American ancestry in the NHLBI Exome Sequencing Project, indicating it is not a common benign variant in these populations. Several in-silico splice prediction models predict that c.1768+5 G>T damages the natural splice donor site of exon 17, which may lead to abnormal gene splicing. However, in the absence of RNA/functional studies, the actual effect of this sequence change in this individual is unknown. Therefore, this variant is likely pathogenic; however, the possibility that it is benign cannot be excluded.